The following is an entry in ClinVar:

ClinVar aggregate classification (germline): Likely pathogenic (1 of 4 stars; one submission).

Conditions:
Polycystic kidney disease, adult type (PKD1). Also called: Polycystic Kidney, Autosomal Dominant; POLYCYSTIC KIDNEY DISEASE, ADULT, TYPE I; Polycystic Kidney Disease 1, Autosomal Dominant; Polycystic kidney disease 1; Polycystic kidney disease 1, severe; POLYCYSTIC KIDNEY DISEASE 1 WITH OR WITHOUT POLYCYSTIC LIVER DISEASE. Identifiers: MedGen C3149841, MONDO:0008263, OMIM 173900.

Submission:

3billion
Classification: Likely pathogenic for Polycystic kidney disease, adult type. Last evaluated: 2025-11-24. Review status: criteria provided, single submitter. Criteria: ACMG Guidelines, 2015. Collection method: clinical testing. Allele origin: germline. Affected: yes.
Comment: The variant is not observed in the gnomAD v4.1.0 dataset. Predicted Consequence/Location: Frameshift: predicted to result in a loss or disruption of normal protein function through nonsense-mediated decay (NMD) or protein truncation. Multiple pathogenic variants are reported downstream of the variant. Therefore, this variant is classified as Likely pathogenic according to the recommendation of ACMG/AMP guideline.

NM_001009944.3(PKD1):c.4018dup (p.Arg1340fs)

Gene: PKD1 (polycystin 1, transient receptor potential channel interacting; minus strand). Cytogenetic location: 16p13.3.
Variant type: Duplication.
Coding change: c.4018dup on transcript NM_001009944.3 (MANE Select); coding-DNA position 4018, one base duplicated (C; older notation c.4018dupC).
Protein change: p.Arg1340fs; shifts the reading frame from arginine 1340.
Molecular consequence: frameshift variant.
Genome position (GRCh38, 1-based): chr16:2,111,149, G duplicated on the plus strand (C on the coding strand, the reverse complement: PKD1 is on the minus strand). VCF-style (leftmost placement, unchanged base first): chr16-2111148-C-CG. GRCh37 (hg19) VCF-style: chr16-2161149-C-CG.
Other names: c.4018dup, p.Arg1340fs (NM_000296.4); short protein forms R1340fs.
Identifiers: ClinVar variation 4855216 (VCV004855216.1).